The following is an entry in ClinVar:

ClinVar aggregate classification (germline): Uncertain significance (1 of 4 stars; one submission).

Conditions:
Osteogenesis imperfecta type I (OI1). Also called: Lobstein disease; OI, TYPE I; OSTEOGENESIS IMPERFECTA TARDA; OSTEOGENESIS IMPERFECTA WITH BLUE SCLERAE; Osteogenesis imperfecta type 1; Lobstein's Disease. Identifiers: Orphanet 216796, Orphanet 666, MedGen C0023931, MONDO:0008146, OMIM 166200. Disease mechanism: loss of function.
Ehlers-Danlos syndrome, classic type, 1 (EDSCL1). Also called: EDS I; EHLERS-DANLOS SYNDROME, GRAVIS TYPE; EHLERS-DANLOS SYNDROME, SEVERE CLASSIC TYPE; Ehlers-Danlos syndrome, type 1; Ehlers-Danlos Syndrome, Classic Type, COL5A1-Related. Identifiers: MedGen C0268335, MONDO:0019567, OMIM 130000.

Allele frequency attached by ClinVar (database versions not stated): TOPMed 0.00003; gnomAD exomes below 0.00001; gnomAD 0.00002.
gnomAD v4.1: 5 of 1,613,612 alleles (0.00031%); highest among the groups gnomAD compares: African/African-American, 0.0053%; no homozygotes.

Submission:

Labcorp Genetics (formerly Invitae), Labcorp
Classification: Uncertain significance for Osteogenesis imperfecta type I; Ehlers-Danlos syndrome, classic type, 1. Last evaluated: 2023-12-27. Review status: criteria provided, single submitter. Criteria: Invitae Variant Classification Sherloc (09022015). Collection method: clinical testing. Allele origin: germline.
Comment: This sequence change falls in intron 15 of the COL1A2 gene. It does not directly change the encoded amino acid sequence of the COL1A2 protein. It affects a nucleotide within the consensus splice site. This variant is present in population databases (no rsID available, gnomAD 0.008%). This variant has not been reported in the literature in individuals affected with COL1A2-related conditions. Variants that disrupt the consensus splice site are a relatively common cause of aberrant splicing (PMID: 17576681, 9536098). Algorithms developed to predict the effect of sequence changes on RNA splicing suggest that this variant is not likely to affect RNA splicing. In summary, the available evidence is currently insufficient to determine the role of this variant in disease. Therefore, it has been classified as a Variant of Uncertain Significance.

Literature cited by the submitters: PubMed 17576681; PubMed 9536098.

NM_000089.4(COL1A2):c.739-3C>T

Gene: COL1A2 (collagen type I alpha 2 chain; plus strand). Cytogenetic location: 7q21.3.
Variant type: single nucleotide variant.
Coding change: c.739-3C>T on transcript NM_000089.4 (MANE Select); 3 bases into the intron before coding-DNA position 739, C replaced by T.
Molecular consequence: intron variant.
Genome position (GRCh38, 1-based): chr7:94,408,767, C>T. VCF-style: chr7-94408767-C-T. GRCh37 (hg19) VCF-style: chr7-94038079-C-T.
Identifiers: ClinVar variation 2947211 (VCV002947211.3), dbSNP rs1313954969, ClinGen allele CA576321749.